The following is an entry in ClinVar:

NM_001365276.2(TNXB):c.9010G>A (p.Glu3004Lys)

Gene: TNXB (tenascin XB; minus strand). Cytogenetic location: 6p21.33.
Variant type: single nucleotide variant.
Coding change: c.9010G>A on transcript NM_001365276.2 (MANE Select); coding-DNA position 9010, G replaced by A.
Protein change: p.Glu3004Lys; replaces glutamic acid 3004 with lysine.
Molecular consequence: missense variant.
Genome position (GRCh38, 1-based): chr6:32,052,775, C>T on the plus strand (G>A on the coding strand, the complement: TNXB is on the minus strand). VCF-style: chr6-32052775-C-T. GRCh37 (hg19) VCF-style: chr6-32020552-C-T.
Other names: c.9004G>A, p.Glu3002Lys (NM_019105.8); short protein forms E3002K, E3004K.
Identifiers: ClinVar variation 2577616 (VCV002577616.4), dbSNP rs563489538, ClinGen allele CA3733678.
Genomic context (GRCh38, chr6:32,052,775, plus strand): 5'-GGAGGCCGTACAGGTGCATCTTGTATTTGCACCCGGGCTCCAGGCCCCCCACGGTGACCT[C>T]GCTCTCCTCGCCCCTGACACGCACCACCTGGGGCCGCCCGTCCCTGTCCTTGTACTGCAC-3'
Protein context (NP_001352205.1, residues 2994-3014): QVVRVRGEES[Glu3004Lys]VTVGGLEPGC

ClinVar aggregate classification (germline): Uncertain significance. Review status: criteria provided, multiple submitters, no conflicts (2 of 4 stars). 3 submissions from 3 submitters: Uncertain significance (3). Last evaluated 2025-05-31.

Conditions:
TNXB-related disorder. Also called: TNXB-related condition.

Allele frequency attached by ClinVar (database versions not stated): ExAC 0.00001; gnomAD 0.00001; gnomAD exomes 0.00001; TOPMed 0.00001; 1000 Genomes Project 30x 0.00016; 1000 Genomes Project 0.00020.
gnomAD v4.1: 21 of 1,613,806 alleles (0.0013%); highest among the groups gnomAD compares: Non-Finnish European, 0.0017%; no homozygotes.

Submissions (3):

PreventionGenetics, part of Exact Sciences
Classification: Uncertain significance for TNXB-related condition. Last evaluated: 2025-05-31. Review status: criteria provided, single submitter. Criteria: ACMG Guidelines, 2015. Collection method: clinical testing. Allele origin: germline.
Comment: The TNXB c.9004G>A variant is predicted to result in the amino acid substitution p.Glu3002Lys. This variant was reported as de novo in an individual with autism spectrum disorder (Patient DEASD_0251_001, Table S2, Lim et al. 2017. PubMed ID: 28714951; Supplementary Data, Zhou et al. 2022. PubMed ID: 35982159; Table S20, Fu et al. 2022. PubMed ID: 35982160). This variant is reported in 0.0043% of alleles in individuals of African descent in gnomAD. At this time, the clinical significance of this variant is uncertain due to the absence of conclusive functional and genetic evidence.

Women's Health and Genetics/Laboratory Corporation of America, LabCorp
Classification: Uncertain significance. Last evaluated: 2025-05-20. Review status: criteria provided, single submitter. Criteria: LabCorp Variant Classification Summary - May 2015. Collection method: clinical testing. Allele origin: germline.
Comment: Variant summary: TNXB c.9004G>A (p.Glu3002Lys) results in a conservative amino acid change in the encoded protein sequence. Algorithms developed to predict the effect of missense changes on protein structure and function all suggest that this variant is likely to be tolerated. The variant allele was found at a frequency of 1.3e-05 in 1606846 control chromosomes (gnomAD). This frequency is not significantly higher than estimated for a pathogenic variant in TNXB causing Ehlers-Danlos syndrome due to tenascin-X deficiency (1.3e-05 vs 0.0011), allowing no conclusion about variant significance. To our knowledge, no occurrence of c.9004G>A in individuals affected with Ehlers-Danlos syndrome due to tenascin-X deficiency and no experimental evidence demonstrating its impact on protein function have been reported. ClinVar contains an entry for this variant (Variation ID: 2577616). Based on the evidence outlined above, the variant was classified as uncertain significance.

GeneDx
Classification: Uncertain significance. Last evaluated: 2023-10-11. Review status: criteria provided, single submitter. Criteria: GeneDx Variant Classification Process June 2021. Collection method: clinical testing. Allele origin: germline.
Comment: Has not been reported in association with a connective tissue disorder to our knowledge; Not observed at significant frequency in large population cohorts (gnomAD); In silico analysis supports that this missense variant has a deleterious effect on protein structure/function; This variant is associated with the following publications: (PMID: 35982159, 35982160, 28714951)